The following is an entry in ClinVar:

ClinVar aggregate classification (germline): Uncertain significance. Review status: criteria provided, multiple submitters, no conflicts (2 of 4 stars). 2 submissions from 2 submitters: Uncertain significance (2). Last evaluated 2025-08-30.

Conditions:
Familial cancer of breast. Also called: BREAST CANCER, FAMILIAL; Hereditary breast cancer; hereditary breast carcinoma. Identifiers: Orphanet 227535, MedGen C0346153, MONDO:0016419, OMIM 114480. Disease mechanism: loss of function.

Allele frequency attached by ClinVar (database versions not stated): gnomAD exomes below 0.00001.
gnomAD v4.1: 1 of 1,614,038 alleles (0.000062%); highest among the groups gnomAD compares: South Asian, 0.0011%; no homozygotes.

Submissions (2):

Labcorp Genetics (formerly Invitae), Labcorp
Classification: Uncertain significance for Familial cancer of breast. Last evaluated: 2025-08-30. Review status: criteria provided, single submitter. Criteria: Invitae Variant Classification Sherloc (09022015). Collection method: clinical testing. Allele origin: germline.
Comment: This sequence change replaces histidine, which is basic and polar, with tyrosine, which is neutral and polar, at codon 432 of the PALB2 protein (p.His432Tyr). This variant is not present in population databases (gnomAD no frequency). This variant has not been reported in the literature in individuals affected with PALB2-related conditions. ClinVar contains an entry for this variant (Variation ID: 246417). Invitae Evidence Modeling of protein sequence and biophysical properties (such as structural, functional, and spatial information, amino acid conservation, physicochemical variation, residue mobility, and thermodynamic stability) has been performed for this missense variant. However, the output from this modeling did not meet the statistical confidence thresholds required to predict the impact of this variant on PALB2 protein function. In summary, the available evidence is currently insufficient to determine the role of this variant in disease. Therefore, it has been classified as a Variant of Uncertain Significance.

GeneDx
Classification: Uncertain significance. Last evaluated: 2016-09-09. Review status: criteria provided, single submitter. Criteria: GeneDx Variant Classification (06012015). Collection method: clinical testing. Allele origin: germline. Affected: yes.
Comment: This variant is denoted PALB2 c.1294C>T at the cDNA level, p.His432Tyr (H432Y) at the protein level, and results in the change of a Histidine to a Tyrosine (CAT>TAT). This variant has not, to our knowledge, been published in the literature as pathogenic or benign. PALB2 His432Tyr was not observed in approximately 6,500 individuals of European and African American ancestry in the NHLBI Exome Sequencing Project, suggesting it is not a common benign variant in these populations. Since Histidine and Tyrosine differ in polarity, charge, size or other properties, this is considered a non-conservative amino acid substitution. PALB2 His432Tyr occurs at a position that is not conserved and is located within the DNA binding region as well as the chromatin-association motif (ChAM) which is required for chromatin association and mediates nucleosome association (UniProt). In silico analyses predict that this variant is probably damaging to protein structure and function. Based on currently available evidence, it is unclear whether PALB2 His432Tyr is a pathogenic or benign variant. We consider it to be a variant of uncertain significance.

NM_024675.4(PALB2):c.1294C>T (p.His432Tyr)

Gene: PALB2 (partner and localizer of BRCA2; minus strand). Cytogenetic location: 16p12.2.
Variant type: single nucleotide variant.
Coding change: c.1294C>T on transcript NM_024675.4 (MANE Select); coding-DNA position 1294, C replaced by T.
Protein change: p.His432Tyr; replaces histidine 432 with tyrosine.
Molecular consequence: missense variant.
Genome position (GRCh38, 1-based): chr16:23,635,252, G>A on the plus strand (C>T on the coding strand, the complement: PALB2 is on the minus strand). VCF-style: chr16-23635252-G-A. GRCh37 (hg19) VCF-style: chr16-23646573-G-A.
Other names: short protein forms H432Y.
Identifiers: ClinVar variation 246417 (VCV000246417.5), dbSNP rs879254250, ClinGen allele CA10584520.
Genomic context (GRCh38, chr16:23,635,252, plus strand): 5'-TTAAATTTTTACTTGCATCCTTATTTTTATTTTTAAACCCTTTTTTCTTGACATCCAAAT[G>A]ACTCTGAATGACAGCCTCCACGGCTACTTTCCTCTGGCAATTGGACATGCTTCGTGTTGT-3'
Protein context (NP_078951.2, residues 422-442): KVAVEAVIQS[His432Tyr]LDVKKKGFKN